The following is an entry in ClinVar:

NM_000235.4(LIPA):c.1054G>A (p.Asp352Asn)

Gene: LIPA (lipase A, lysosomal acid type; minus strand). Cytogenetic location: 10q23.31.
Variant type: single nucleotide variant.
Coding change: c.1054G>A on transcript NM_000235.4 (MANE Select); coding-DNA position 1054, G replaced by A.
Protein change: p.Asp352Asn; replaces aspartic acid 352 with asparagine.
Molecular consequence: missense variant.
Genome position (GRCh38, 1-based): chr10:89,214,974, C>T on the plus strand (G>A on the coding strand, the complement: LIPA is on the minus strand). VCF-style: chr10-89214974-C-T. GRCh37 (hg19) VCF-style: chr10-90974731-C-T.
Other names: c.706G>A, p.Asp236Asn (NM_001288979.2); c.1054G>A, p.Asp352Asn (NM_001127605.3); short protein forms D236N, D352N.
Identifiers: ClinVar variation 3230710 (VCV003230710.1), dbSNP rs2495555352, ClinGen allele CA377516248.

ClinVar aggregate classification (germline): Uncertain significance (1 of 4 stars; one submission).

Conditions:
Cardiovascular phenotype. Identifiers: MedGen CN230736.

Allele frequency attached by ClinVar (database versions not stated): gnomAD exomes below 0.00001.
gnomAD v4.1: 5 of 1,614,096 alleles (0.00031%); highest among the groups gnomAD compares: Non-Finnish European, 0.00042%; no homozygotes.

Submission:

Ambry Genetics
Classification: Uncertain significance for Cardiovascular phenotype. Last evaluated: 2023-10-02. Review status: criteria provided, single submitter. Criteria: Ambry Variant Classification Scheme 2023. Collection method: clinical testing. Allele origin: germline.
Comment: The p.D352N variant (also known as c.1054G>A), located in coding exon 9 of the LIPA gene, results from a G to A substitution at nucleotide position 1054. The aspartic acid at codon 352 is replaced by asparagine, an amino acid with highly similar properties. This amino acid position is conserved. In addition, this alteration is predicted to be tolerated by in silico analysis. Since supporting evidence is limited at this time, the clinical significance of this alteration remains unclear.